The following is an entry in ClinVar:

ClinVar aggregate classification (germline): Benign. Review status: criteria provided, multiple submitters, no conflicts (2 of 4 stars). 2 submissions from 2 submitters: Benign (2). Last evaluated 2018-01-12.

Conditions:
Griscelli syndrome type 2 (GS2). Also called: GRISCELLI SYNDROME WITH HEMOPHAGOCYTIC SYNDROME; PAID SYNDROME; PARTIAL ALBINISM AND IMMUNODEFICIENCY SYNDROME. Identifiers: Orphanet 381, Orphanet 79477, MedGen C1868679, MONDO:0011872, OMIM 607624.

Allele frequency attached by ClinVar (database versions not stated): 1000 Genomes Project 0.26518; gnomAD 0.26707 and 0.27449; 1000 Genomes Project 30x 0.27108; TOPMed 0.27685.

Submissions (2):

Illumina Laboratory Services, Illumina
Classification: Benign for Griscelli syndrome type 2. Last evaluated: 2018-01-12. Review status: criteria provided, single submitter. Criteria: ICSL Variant Classification Criteria 13 December 2019. Collection method: clinical testing. Allele origin: germline.
Comment: This variant was observed in the ICSL laboratory as part of a predisposition screen in an ostensibly healthy population. It had not been previously curated by ICSL or reported in the Human Gene Mutation Database (HGMD: prior to June 1st, 2018), and was therefore a candidate for classification through an automated scoring system. Utilizing variant allele frequency, disease prevalence and penetrance estimates, and inheritance mode, an automated score was calculated to assess if this variant is too frequent to cause the disease. Based on the score and internal cut-off values, a variant classified as benign is not then subjected to further curation. The score for this variant resulted in a classification of benign for this disease.

Breakthrough Genomics
Classification: Benign. Review status: criteria provided, single submitter. Criteria: ACMG Guidelines, 2015. Collection method: not provided. Allele origin: germline. Inheritance: Autosomal recessive inheritance. Affected: yes.

NM_183235.3(RAB27A):c.*936C>A

Gene: RAB27A (RAB27A, member RAS oncogene family; minus strand). Cytogenetic location: 15q21.3.
Variant type: single nucleotide variant.
Coding change: c.*936C>A on transcript NM_183235.3 (MANE Select); 936 bases downstream of the stop codon, C replaced by A.
Molecular consequence: 3 prime UTR variant.
Genome position (GRCh38, 1-based): chr15:55,204,571, G>T on the plus strand (C>A on the coding strand, the complement: RAB27A is on the minus strand). VCF-style: chr15-55204571-G-T. GRCh37 (hg19) VCF-style: chr15-55496769-G-T.
Other names: c.*936C>A (NM_004580.5, NM_183234.3, NM_183236.3).
Identifiers: ClinVar variation 316634 (VCV000316634.6), dbSNP rs1061870, ClinGen allele CA10647185.